The following is an entry in ClinVar:

ClinVar aggregate classification (germline): Uncertain significance (1 of 4 stars; one submission).

Conditions:
STRC-related disorder. Also called: STRC-related condition.

gnomAD v4.1: 13 of 1,612,918 alleles (0.00081%); highest among the groups gnomAD compares: African/African-American, 0.017%; no homozygotes.

Submission:

PreventionGenetics, part of Exact Sciences
Classification: Uncertain significance for STRC-related condition. Last evaluated: 2026-06-30. Review status: criteria provided, single submitter. Criteria: ACMG Guidelines, 2015. Collection method: clinical testing. Allele origin: germline.
Comment: The STRC c.4374A>G variant is not predicted to result in an amino acid change (p.=). This variant is predicted to impact splicing based on available splicing prediction programs (SpliceAI, Jaganathan et al. 2019. PubMed ID: 30661751). To our knowledge, this variant has not been reported in the literature. This variant is reported in 0.025% of alleles in individuals of African descent in gnomAD. At this time, the clinical significance of this variant is uncertain due to the absence of conclusive functional and genetic evidence.

NM_153700.2(STRC):c.4374A>G (p.Pro1458=)

Gene: STRC (stereocilin; minus strand). Cytogenetic location: 15q15.3.
Variant type: single nucleotide variant.
Coding change: c.4374A>G on transcript NM_153700.2 (MANE Select); coding-DNA position 4374, A replaced by G.
Protein change: p.Pro1458=; no amino-acid change (proline 1458 retained).
Molecular consequence: synonymous variant.
Genome position (GRCh38, 1-based): chr15:43,603,997, T>C on the plus strand (A>G on the coding strand, the complement: STRC is on the minus strand). VCF-style: chr15-43603997-T-C. GRCh37 (hg19) VCF-style: chr15-43896195-T-C.
Identifiers: ClinVar variation 4984680 (VCV004984680.1).